The following is an entry in ClinVar:

NM_000051.4(ATM):c.1924delinsCT (p.Glu642fs)

Gene: ATM (ATM serine/threonine kinase; plus strand). Cytogenetic location: 11q22.3.
Variant type: Indel.
Coding change: c.1924delinsCT on transcript NM_000051.4 (MANE Select); coding-DNA position 1924, G replaced by CT.
Protein change: p.Glu642fs; shifts the reading frame from glutamic acid 642.
Molecular consequence: frameshift variant.
Genome position (GRCh38, 1-based): chr11:108,253,839, G replaced by CT. VCF-style: chr11-108253839-G-CT. GRCh37 (hg19) VCF-style: chr11-108124566-G-CT.
Other names: c.1924delinsCT, p.Glu642fs (NM_001351834.2); short protein forms E642fs.
Identifiers: ClinVar variation 3148321 (VCV003148321.1), dbSNP rs2497309962, ClinGen allele CA2825001773.

ClinVar aggregate classification (germline): Pathogenic (1 of 4 stars; one submission).

Conditions:
Familial cancer of breast. Also called: BREAST CANCER, FAMILIAL; Hereditary breast cancer; hereditary breast carcinoma. Identifiers: Orphanet 227535, MedGen C0346153, MONDO:0016419, OMIM 114480. Disease mechanism: loss of function.

Submission:

Myriad Genetics, Inc.
Classification: Pathogenic for Familial cancer of breast. Last evaluated: 2024-01-17. Review status: criteria provided, single submitter. Criteria: Myriad Autosomal Dominant, Autosomal Recessive and X-Linked Classification Criteria (2023). Collection method: clinical testing. Allele origin: unknown.
Comment: This variant is considered pathogenic. This variant creates a frameshift predicted to result in premature protein truncation.